The following is an entry in ClinVar:

NM_001079858.3(ADGRG2):c.607A>G (p.Ile203Val)

Gene: ADGRG2 (adhesion G protein-coupled receptor G2; minus strand). Cytogenetic location: Xp22.13.
Variant type: single nucleotide variant.
Coding change: c.607A>G on transcript NM_001079858.3 (MANE Select); coding-DNA position 607, A replaced by G.
Protein change: p.Ile203Val; replaces isoleucine 203 with valine.
Molecular consequence: missense variant.
Genome position (GRCh38, 1-based): chrX:19,021,140, T>C on the plus strand (A>G on the coding strand, the complement: ADGRG2 is on the minus strand). VCF-style: chrX-19021140-T-C. GRCh37 (hg19) VCF-style: chrX-19039258-T-C.
Other names: c.565A>G, p.Ile189Val (NM_001079859.3); c.541A>G, p.Ile181Val (NM_001079860.3); c.559A>G, p.Ile187Val (NM_001184833.2); c.607A>G, p.Ile203Val (NM_001184834.2); c.493A>G, p.Ile165Val (NM_001184835.2); c.535A>G, p.Ile179Val (NM_001184836.2); c.517A>G, p.Ile173Val (NM_001184837.2); c.598A>G, p.Ile200Val (NM_005756.4); short protein forms I165V, I173V, I179V, I181V, I187V, I189V, I200V, I203V.
Identifiers: ClinVar variation 4681577 (VCV004681577.5).

ClinVar aggregate classification (germline): Uncertain significance (1 of 4 stars; one submission).

Submission:

CeGaT Center for Human Genetics Tuebingen
Classification: Uncertain significance. Last evaluated: 2025-12-01. Review status: criteria provided, single submitter. Criteria: CeGaT Center For Human Genetics Tuebingen Variant Classification Criteria Version 2. Collection method: clinical testing. Allele origin: germline. Affected: yes. Observed: 1 variant allele.
Comment: ADGRG2: PM2, BP4